The following is an entry in ClinVar:

NM_001323342.2(AHCTF1):c.2694A>G (p.Gln898=)

Gene: AHCTF1 (AT-hook containing transcription factor 1; minus strand). Cytogenetic location: 1q44.
Variant type: single nucleotide variant.
Coding change: c.2694A>G on transcript NM_001323342.2 (MANE Select); coding-DNA position 2694, A replaced by G.
Protein change: p.Gln898=; no amino-acid change (glutamine 898 retained).
Molecular consequence: synonymous variant. On other transcripts: non-coding transcript variant (1).
Genome position (GRCh38, 1-based): chr1:246,877,269, T>C on the plus strand (A>G on the coding strand, the complement: AHCTF1 is on the minus strand). VCF-style: chr1-246877269-T-C. GRCh37 (hg19) VCF-style: chr1-247040571-T-C.
Other names: c.2694A>G, p.Gln898= (NM_001323343.2); c.2799A>G, p.Gln933= (NM_001410950.1); c.2721A>G, p.Gln907= (NM_015446.5).
Identifiers: ClinVar variation 2640240 (VCV002640240.24), dbSNP rs61734012, ClinGen allele CA1491906.

ClinVar aggregate classification (germline): Likely benign (1 of 4 stars; one submission).

Allele frequency attached by ClinVar (database versions not stated): 1000 Genomes Project 30x 0.00172; 1000 Genomes Project 0.00200; ExAC 0.00413; gnomAD 0.00413; TOPMed 0.00436; ESP Exome Variant Server 0.00507; gnomAD exomes 0.00654.
gnomAD v4.1: 10,008 of 1,601,978 alleles (0.62%); highest among the groups gnomAD compares: Non-Finnish European, 0.78%; 41 homozygotes.

Submission:

CeGaT Center for Human Genetics Tuebingen
Classification: Likely benign. Last evaluated: 2023-02-01. Review status: criteria provided, single submitter. Criteria: CeGaT Center For Human Genetics Tuebingen Variant Classification Criteria Version 2. Collection method: clinical testing. Allele origin: germline. Affected: yes. Observed: 1 variant allele.
Comment: AHCTF1: BP4, BP7, BS2